The following is an entry in ClinVar:

NM_002524.5(NRAS):c.119A>G (p.Tyr40Cys)

Gene: NRAS (NRAS proto-oncogene, GTPase; minus strand). Cytogenetic location: 1p13.2.
Variant type: single nucleotide variant.
Coding change: c.119A>G on transcript NM_002524.5 (MANE Select); coding-DNA position 119, A replaced by G.
Protein change: p.Tyr40Cys; replaces tyrosine 40 with cysteine.
Molecular consequence: missense variant.
Genome position (GRCh38, 1-based): chr1:114,713,971, T>C on the plus strand (A>G on the coding strand, the complement: NRAS is on the minus strand). VCF-style: chr1-114713971-T-C. GRCh37 (hg19) VCF-style: chr1-115256592-T-C.
Other names: short protein forms Y40C.
Identifiers: ClinVar variation 3364771 (VCV003364771.1).

ClinVar aggregate classification (germline): Uncertain significance (1 of 4 stars; one submission).

Submission:

GeneDx
Classification: Uncertain significance. Last evaluated: 2023-11-28. Review status: criteria provided, single submitter. Criteria: GeneDx Variant Classification Process June 2021. Collection method: clinical testing. Allele origin: germline. Affected: yes.
Comment: Not observed at significant frequency in large population cohorts (gnomAD); Missense variants in this gene are a common cause of disease and they are underrepresented in the general population; In silico analysis supports that this missense variant has a deleterious effect on protein structure/function; Has not been previously published as pathogenic or benign to our knowledge